The following is an entry in ClinVar:

NM_001365276.2(TNXB):c.5876G>C (p.Gly1959Ala)

Gene: TNXB (tenascin XB; minus strand). Cytogenetic location: 6p21.33.
Variant type: single nucleotide variant.
Coding change: c.5876G>C on transcript NM_001365276.2 (MANE Select); coding-DNA position 5876, G replaced by C.
Protein change: p.Gly1959Ala; replaces glycine 1959 with alanine.
Molecular consequence: missense variant.
Genome position (GRCh38, 1-based): chr6:32,068,848, C>G on the plus strand (G>C on the coding strand, the complement: TNXB is on the minus strand). VCF-style: chr6-32068848-C-G. GRCh37 (hg19) VCF-style: chr6-32036625-C-G.
Other names: c.6617G>C, p.Gly2206Ala (NM_001428335.1); c.5876G>C, p.Gly1959Ala (NM_019105.8); short protein forms G1959A, G2206A.
Identifiers: ClinVar variation 4188719 (VCV004188719.1).

ClinVar aggregate classification (germline): Uncertain significance (1 of 4 stars; one submission).

Conditions:
Cardiovascular phenotype. Identifiers: MedGen CN230736.

Submission:

Ambry Genetics
Classification: Uncertain significance for Cardiovascular phenotype. Last evaluated: 2025-08-24. Review status: criteria provided, single submitter. Criteria: Ambry Variant Classification Scheme 2023. Collection method: clinical testing. Allele origin: germline.
Comment: The p.G1959A variant (also known as c.5876G>C), located in coding exon 15 of the TNXB gene, results from a G to C substitution at nucleotide position 5876. The glycine at codon 1959 is replaced by alanine, an amino acid with similar properties. This amino acid position is conserved. In addition, this alteration is predicted to be tolerated by in silico analysis. Based on the available evidence, the clinical significance of this variant remains unclear.